The following is an entry in ClinVar:

ClinVar aggregate classification (germline): Uncertain significance (1 of 4 stars; one submission).

Allele frequency attached by ClinVar (database versions not stated): gnomAD 0.00001; gnomAD exomes 0.00002; TOPMed 0.00002; ExAC 0.00003.
gnomAD v4.1: 33 of 1,611,204 alleles (0.002%); highest among the groups gnomAD compares: Admixed American, 0.005%; no homozygotes.

Submission:

Labcorp Genetics (formerly Invitae), Labcorp
Classification: Uncertain significance. Last evaluated: 2025-08-17. Review status: criteria provided, single submitter. Criteria: Invitae Variant Classification Sherloc (09022015). Collection method: clinical testing. Allele origin: germline.
Comment: This sequence change replaces arginine, which is basic and polar, with glutamine, which is neutral and polar, at codon 478 of the DLL4 protein (p.Arg478Gln). This variant is present in population databases (rs764149583, gnomAD 0.01%). This variant has not been reported in the literature in individuals affected with DLL4-related conditions. ClinVar contains an entry for this variant (Variation ID: 2075632). An algorithm developed to predict the effect of missense changes on protein structure and function outputs the following: PolyPhen-2: "Benign". The glutamine amino acid residue is found in multiple mammalian species, which suggests that this missense change does not adversely affect protein function. In summary, the available evidence is currently insufficient to determine the role of this variant in disease. Therefore, it has been classified as a Variant of Uncertain Significance.

NM_019074.4(DLL4):c.1433G>A (p.Arg478Gln)

Gene: DLL4 (delta like canonical Notch ligand 4; plus strand). Cytogenetic location: 15q15.1.
Variant type: single nucleotide variant.
Coding change: c.1433G>A on transcript NM_019074.4 (MANE Select); coding-DNA position 1433, G replaced by A.
Protein change: p.Arg478Gln; replaces arginine 478 with glutamine.
Molecular consequence: missense variant.
Genome position (GRCh38, 1-based): chr15:40,936,420, G>A. VCF-style: chr15-40936420-G-A. GRCh37 (hg19) VCF-style: chr15-41228618-G-A.
Other names: short protein forms R478Q.
Identifiers: ClinVar variation 2075632 (VCV002075632.3), dbSNP rs764149583, ClinGen allele CA7487939.